The following is an entry in ClinVar:

ClinVar aggregate classification (germline): Uncertain significance (1 of 4 stars; one submission).

Conditions:
Neurodevelopmental disorder with central hypotonia and dysmorphic facies (NEDCHF). Identifiers: MedGen C5676944, MONDO:0859232, OMIM 619797.

Allele frequency attached by ClinVar (database versions not stated): TOPMed below 0.00001.

Submission:

Laboratorio de Genetica e Diagnostico Molecular, Hospital Israelita Albert Einstein
Classification: Uncertain significance for Neurodevelopmental disorder with central hypotonia and dysmorphic facies. Last evaluated: 2022-07-07. Review status: criteria provided, single submitter. Criteria: ACMG Guidelines, 2015. Collection method: clinical testing. Allele origin: germline. Affected: yes. Observed: 1 variant allele.
Comment: ACMG classification criteria: PM2 moderated, BP4 supporting

NM_001378414.1(HDAC4):c.354G>C (p.Met118Ile)

Gene: HDAC4 (histone deacetylase 4; minus strand). Cytogenetic location: 2q37.3.
Variant type: single nucleotide variant.
Coding change: c.354G>C on transcript NM_001378414.1 (MANE Select); coding-DNA position 354, G replaced by C.
Protein change: p.Met118Ile; replaces methionine 118 with isoleucine.
Molecular consequence: missense variant.
Genome position (GRCh38, 1-based): chr2:239,176,549, C>G on the plus strand (G>C on the coding strand, the complement: HDAC4 is on the minus strand). VCF-style: chr2-239176549-C-G. GRCh37 (hg19) VCF-style: chr2-240098245-C-G.
Other names: c.354G>C, p.Met118Ile (NM_001378415.1, NM_001378416.1, NM_001378417.1 and 1 more transcripts); short protein forms M118I.
Identifiers: ClinVar variation 2431880 (VCV002431880.1), dbSNP rs1314426642, ClinGen allele CA351274899.
Genomic context (GRCh38, chr2:239,176,549, plus strand): 5'-GCGGTGCCTCTCCAGCTTCCGCTGGTGTTCCAGCAGCTCCTGCTGGTGCTTCATGGCCAG[C>G]ATCTCCTGTTGTTGCTGCAAGTGGAAGGAGGAGACAGACGGTCAGAGCCCAGGCTCCACA-3'
Protein context (NP_001365343.1, residues 108-128): LHEHIKQQQE[Met118Ile]LAMKHQQELL